The following is an entry in ClinVar:

ClinVar aggregate classification (germline): Conflicting classifications of pathogenicity. Review status: criteria provided, conflicting classifications (1 of 4 stars). 3 submissions from 3 submitters: Uncertain significance (1); Benign (1); Likely benign (1). Last evaluated 2025-11-05.

Conditions:
KMT2D-related disorder. Also called: KMT2D-Related Disorders.
Kabuki syndrome. Also called: NIIKAWA-KUROKI SYNDROME; Kabuki make-up syndrome. Identifiers: Orphanet 2322, MedGen C0796004, MONDO:0016512.

Allele frequency attached by ClinVar (database versions not stated): ExAC 0.00001; gnomAD 0.00001 and 0.00003; TOPMed 0.00003; gnomAD exomes 0.00004.
gnomAD v4.1: 28 of 1,565,124 alleles (0.0018%); highest among the groups gnomAD compares: Middle Eastern, 0.017%; no homozygotes.

Submissions (3):

Labcorp Genetics (formerly Invitae), Labcorp
Classification: Benign for Kabuki syndrome. Last evaluated: 2025-11-05. Review status: criteria provided, single submitter. Criteria: Invitae Variant Classification Sherloc (09022015). Collection method: clinical testing. Allele origin: germline.

PreventionGenetics, part of Exact Sciences
Classification: Uncertain significance for KMT2D-related condition. Last evaluated: 2025-06-30. Review status: criteria provided, single submitter. Criteria: ACMG Guidelines, 2015. Collection method: clinical testing. Allele origin: germline.
Comment: The KMT2D c.7379G>A variant is predicted to result in the amino acid substitution p.Arg2460His. To our knowledge, this variant has not been reported in the literature. This variant is reported in 0.014% of alleles in individuals of South Asian descent in gnomAD. Although we suspect that this variant may be benign, at this time, the clinical significance of this variant is uncertain due to the absence of conclusive functional and genetic evidence.

GeneDx
Classification: Likely benign. Last evaluated: 2021-02-24. Review status: criteria provided, single submitter. Criteria: GeneDx Variant Classification Process June 2021. Collection method: clinical testing. Allele origin: germline. Affected: yes.
Comment: In silico analysis supports that this missense variant does not alter protein structure/function; Has not been previously published as pathogenic or benign to our knowledge

NM_003482.4(KMT2D):c.7379G>A (p.Arg2460His)

Gene: KMT2D (lysine methyltransferase 2D; minus strand). Cytogenetic location: 12q13.12.
Variant type: single nucleotide variant.
Coding change: c.7379G>A on transcript NM_003482.4 (MANE Select); coding-DNA position 7379, G replaced by A.
Protein change: p.Arg2460His; replaces arginine 2460 with histidine.
Molecular consequence: missense variant.
Genome position (GRCh38, 1-based): chr12:49,040,391, C>T on the plus strand (G>A on the coding strand, the complement: KMT2D is on the minus strand). VCF-style: chr12-49040391-C-T. GRCh37 (hg19) VCF-style: chr12-49434174-C-T.
Other names: short protein forms R2460H.
Identifiers: ClinVar variation 431899 (VCV000431899.11), dbSNP rs774358086, ClinGen allele CA6547077.
Genomic context (GRCh38, chr12:49,040,391, plus strand): 5'-TTAAAGGCAACTTCAGGGGGCTGGGGTCGGGGTGGCTTATGCAATGGGGCAAATGGGTCA[C>T]GGGACTGAGGGCGTGAGGGTGGGCGAGAATAAGGGTCAGGGGACTGGAAGCGAGGGGTAA-3'
Protein context (NP_003473.3, residues 2450-2470): YSRPPSRPQS[Arg2460His]DPFAPLHKPP